The following is an entry in ClinVar:

ClinVar aggregate classification (germline): Likely pathogenic (1 of 4 stars; one submission).

Submission:

GeneDx
Classification: Likely pathogenic. Last evaluated: 2017-02-17. Review status: criteria provided, single submitter. Criteria: GeneDx Variant Classification (06012015). Collection method: clinical testing. Allele origin: germline. Affected: yes.
Comment: The I256N variant in the DEAF1 gene has not been reported previously as a pathogenic variant, nor as a benign variant, to our knowledge. The I256N variant is not observed in large population cohorts (Lek et al., 2016; 1000 Genomes Consortium et al., 2015; Exome Variant Server). The I256N variant is a non-conservative amino acid substitution, located within the SAND domain, which is likely to impact secondary protein structure as these residues differ in polarity, charge, size and/or other properties. This substitution occurs at a position that is conserved across species, and in silico analysis predicts this variant is probably damaging to the protein structure/function. The I256N variant is a strong candidate for a pathogenic variant, however the possibility it may be a rare benign variant cannot be excluded.

NM_021008.4(DEAF1):c.767T>A (p.Ile256Asn)

Gene: DEAF1 (DEAF1 transcription factor; minus strand). Cytogenetic location: 11p15.5.
Variant type: single nucleotide variant.
Coding change: c.767T>A on transcript NM_021008.4 (MANE Select); coding-DNA position 767, T replaced by A.
Protein change: p.Ile256Asn; replaces isoleucine 256 with asparagine.
Molecular consequence: missense variant. On other transcripts: intron variant (1).
Genome position (GRCh38, 1-based): chr11:686,895, A>T on the plus strand (T>A on the coding strand, the complement: DEAF1 is on the minus strand). VCF-style: chr11-686895-A-T. GRCh37 (hg19) VCF-style: chr11-686895-A-T.
Other names: c.41T>A, p.Ile14Asn (NM_001367390.1, NM_001440885.1, NM_001440886.1 and 1 more transcripts); c.767T>A, p.Ile256Asn (NM_001440883.1, NM_001440884.1); c.664+1016T>A (NM_001293634.2); short protein forms I256N, I14N.
Identifiers: ClinVar variation 423408 (VCV000423408.2), dbSNP rs1064796407, ClinGen allele CA16619389.